The following is an entry in ClinVar:

NM_004525.3(LRP2):c.10400A>G (p.Asn3467Ser)

Gene: LRP2 (LDL receptor related protein 2; minus strand). Cytogenetic location: 2q31.1.
Variant type: single nucleotide variant.
Coding change: c.10400A>G on transcript NM_004525.3 (MANE Select); coding-DNA position 10400, A replaced by G.
Protein change: p.Asn3467Ser; replaces asparagine 3467 with serine.
Molecular consequence: missense variant.
Genome position (GRCh38, 1-based): chr2:169,176,582, T>C on the plus strand (A>G on the coding strand, the complement: LRP2 is on the minus strand). VCF-style: chr2-169176582-T-C. GRCh37 (hg19) VCF-style: chr2-170033092-T-C.
Other names: short protein forms N3467S.
Identifiers: ClinVar variation 2068248 (VCV002068248.1), dbSNP rs1202452506, ClinGen allele CA349148173.

ClinVar aggregate classification (germline): Uncertain significance (1 of 4 stars; one submission).

Allele frequency attached by ClinVar (database versions not stated): gnomAD exomes below 0.00001; gnomAD 0.00001.
gnomAD v4.1: 5 of 1,614,008 alleles (0.00031%); highest among the groups gnomAD compares: Admixed American, 0.0017%; no homozygotes.

Submission:

Labcorp Genetics (formerly Invitae), Labcorp
Classification: Uncertain significance. Last evaluated: 2022-06-23. Review status: criteria provided, single submitter. Criteria: Invitae Variant Classification Sherloc (09022015). Collection method: clinical testing. Allele origin: germline.
Comment: This sequence change replaces asparagine, which is neutral and polar, with serine, which is neutral and polar, at codon 3467 of the LRP2 protein (p.Asn3467Ser). This variant is not present in population databases (gnomAD no frequency). This variant has not been reported in the literature in individuals affected with LRP2-related conditions. Advanced modeling of protein sequence and biophysical properties (such as structural, functional, and spatial information, amino acid conservation, physicochemical variation, residue mobility, and thermodynamic stability) performed at Invitae indicates that this missense variant is expected to disrupt LRP2 protein function. In summary, the available evidence is currently insufficient to determine the role of this variant in disease. Therefore, it has been classified as a Variant of Uncertain Significance.